The following is an entry in ClinVar:

NM_004380.3(CREBBP):c.3205G>T (p.Gly1069Cys)

Gene: CREBBP (CREB binding lysine acetyltransferase; minus strand). Cytogenetic location: 16p13.3.
Variant type: single nucleotide variant.
Coding change: c.3205G>T on transcript NM_004380.3 (MANE Select); coding-DNA position 3205, G replaced by T.
Protein change: p.Gly1069Cys; replaces glycine 1069 with cysteine.
Molecular consequence: missense variant.
Genome position (GRCh38, 1-based): chr16:3,767,765, C>A on the plus strand (G>T on the coding strand, the complement: CREBBP is on the minus strand). VCF-style: chr16-3767765-C-A. GRCh37 (hg19) VCF-style: chr16-3817766-C-A.
Other names: c.3091G>T, p.Gly1031Cys (NM_001079846.1); short protein forms G1031C, G1069C.
Identifiers: ClinVar variation 1235590 (VCV001235590.12), dbSNP rs555109138, ClinGen allele CA7869911.

ClinVar aggregate classification (germline): Conflicting classifications of pathogenicity. Review status: criteria provided, conflicting classifications (1 of 4 stars). 4 submissions from 4 submitters: Uncertain significance (1); Benign (2). 1 of the submissions does not count toward it. Last evaluated 2023-11-01.

Conditions:
CREBBP-related disorder. Also called: CREBBP-related condition; CREBBP-related disorders.
Rubinstein-Taybi syndrome (RSTS). Identifiers: Orphanet 783, MedGen C0035934, MONDO:0019188.

Allele frequency attached by ClinVar (database versions not stated): 1000 Genomes Project 30x 0.00031; 1000 Genomes Project 0.00040.
gnomAD v4.1: 63 of 1,614,222 alleles (0.0039%); highest among the groups gnomAD compares: South Asian, 0.065%; no homozygotes.

Submissions (4):

Revvity Omics, Revvity
Classification: Uncertain significance. Last evaluated: 2023-11-01. Review status: criteria provided, single submitter. Criteria: ACMG Guidelines, 2015. Collection method: clinical testing. Allele origin: germline.

Labcorp Genetics (formerly Invitae), Labcorp
Classification: Benign for Rubinstein-Taybi syndrome. Last evaluated: 2023-01-02. Review status: criteria provided, single submitter. Criteria: Invitae Variant Classification Sherloc (09022015). Collection method: clinical testing. Allele origin: germline.

GeneDx
Classification: Benign. Last evaluated: 2021-02-15. Review status: criteria provided, single submitter. Criteria: GeneDx Variant Classification Process June 2021. Collection method: clinical testing. Allele origin: germline. Affected: yes.
Comment: In silico analysis supports that this missense variant has a deleterious effect on protein structure/function

PreventionGenetics, part of Exact Sciences
Classification: Likely benign for CREBBP-related condition. Last evaluated: 2022-04-11. Review status: no assertion criteria provided. Collection method: clinical testing. Allele origin: germline. Not counted in ClinVar's aggregate classification.
Comment: This variant is classified as likely benign based on ACMG/AMP sequence variant interpretation guidelines (Richards et al. 2015 PMID: 25741868, with internal and published modifications).